The following is an entry in ClinVar:

ClinVar aggregate classification (germline): Conflicting classifications of pathogenicity. Review status: criteria provided, conflicting classifications (1 of 4 stars). 2 submissions from 2 submitters: Uncertain significance (1); Likely benign (1). Last evaluated 2024-09-01.

Conditions:
Spinocerebellar ataxia type 12 (SCA12). Identifiers: Orphanet 98762, MedGen C1858501, MONDO:0011439, OMIM 604326.

Allele frequency attached by ClinVar (database versions not stated): ESP Exome Variant Server 0.00031; ExAC 0.00036; TOPMed 0.00017; gnomAD 0.00021; gnomAD exomes 0.00025 and 0.00029.
gnomAD v4.1: 391 of 1,613,640 alleles (0.024%); highest among the groups gnomAD compares: Non-Finnish European, 0.024%; no homozygotes.

Submissions (3):

CeGaT Center for Human Genetics Tuebingen
Classification: Likely benign. Last evaluated: 2024-09-01. Review status: criteria provided, single submitter. Criteria: CeGaT Center For Human Genetics Tuebingen Variant Classification Criteria Version 2. Collection method: clinical testing. Allele origin: germline. Affected: yes. Observed: 2 variant alleles.
Comment: PPP2R2B: BS1

Department of Pathology and Laboratory Medicine, Sinai Health System
Classification: Uncertain significance for Spinocerebellar ataxia type 12. Last evaluated: 2023-02-14. Review status: criteria provided, single submitter. Criteria: ACMG Guidelines, 2015. Collection method: research. Allele origin: germline.

Dr. Peter K. Rogan Lab, Western University
No classification provided (evidence only). Condition: Clear cell carcinoma of kidney. Review status: no classification provided. Collection method: in vitro. Allele origin: not applicable. Functional consequence: retained intron. Not counted in ClinVar's aggregate classification.

NM_181675.4(PPP2R2B):c.707A>G (p.Asn236Ser)

Gene: PPP2R2B (protein phosphatase 2 regulatory subunit Bbeta; minus strand). Cytogenetic location: 5q32.
Variant type: single nucleotide variant.
Coding change: c.707A>G on transcript NM_181675.4 (MANE Select); coding-DNA position 707, A replaced by G.
Protein change: p.Asn236Ser; replaces asparagine 236 with serine.
Molecular consequence: missense variant. On other transcripts: non-coding transcript variant (2).
Genome position (GRCh38, 1-based): chr5:146,638,334, T>C on the plus strand (A>G on the coding strand, the complement: PPP2R2B is on the minus strand). VCF-style: chr5-146638334-T-C. GRCh37 (hg19) VCF-style: chr5-146017897-T-C.
Other names: NC_000005.9:g.146017897T>C; c.725A>G, p.Asn242Ser (NM_001271899.1); c.881A>G, p.Asn294Ser (NM_001271900.2); c.674A>G, p.Asn225Ser (NM_001271948.2, NM_181678.2); c.905A>G, p.Asn302Ser (NM_181674.3); c.716A>G, p.Asn239Ser (NM_181676.3); c.647A>G, p.Asn216Ser (NM_181677.2); short protein forms N225S, N239S, N242S, N216S, N294S, N302S, N236S.
Identifiers: ClinVar variation 624067 (VCV000624067.45), dbSNP rs150981315, ClinGen allele CA3492666.